The following is an entry in ClinVar:

ClinVar aggregate classification (germline): Uncertain significance (1 of 4 stars; one submission).

Allele frequency attached by ClinVar (database versions not stated): gnomAD exomes below 0.00001.

Submission:

Labcorp Genetics (formerly Invitae), Labcorp
Classification: Uncertain significance. Last evaluated: 2023-07-07. Review status: criteria provided, single submitter. Criteria: Invitae Variant Classification Sherloc (09022015). Collection method: clinical testing. Allele origin: germline.
Comment: In summary, the available evidence is currently insufficient to determine the role of this variant in disease. Therefore, it has been classified as a Variant of Uncertain Significance. Algorithms developed to predict the effect of missense changes on protein structure and function output the following: SIFT: "Not Available"; PolyPhen-2: "Benign"; Align-GVGD: "Not Available". The glycine amino acid residue is found in multiple mammalian species, which suggests that this missense change does not adversely affect protein function. ClinVar contains an entry for this variant (Variation ID: 1358226). This variant has not been reported in the literature in individuals affected with PCARE-related conditions. This variant is not present in population databases (gnomAD no frequency). This sequence change replaces serine, which is neutral and polar, with glycine, which is neutral and non-polar, at codon 437 of the PCARE protein (p.Ser437Gly).

NM_001029883.3(PCARE):c.1309A>G (p.Ser437Gly)

Gene: PCARE (photoreceptor cilium actin regulator; minus strand). Cytogenetic location: 2p23.2.
Variant type: single nucleotide variant.
Coding change: c.1309A>G on transcript NM_001029883.3 (MANE Select); coding-DNA position 1309, A replaced by G.
Protein change: p.Ser437Gly; replaces serine 437 with glycine.
Molecular consequence: missense variant.
Genome position (GRCh38, 1-based): chr2:29,072,953, T>C on the plus strand (A>G on the coding strand, the complement: PCARE is on the minus strand). VCF-style: chr2-29072953-T-C. GRCh37 (hg19) VCF-style: chr2-29295819-T-C.
Other names: short protein forms S437G.
Identifiers: ClinVar variation 1358226 (VCV001358226.8), dbSNP rs1667519372, ClinGen allele CA346480459.